The following is an entry in ClinVar:

ClinVar aggregate classification (germline): Uncertain significance (1 of 4 stars; one submission).

Allele frequency attached by ClinVar (database versions not stated): gnomAD 0.00001.
gnomAD v4.1: 3 of 1,610,900 alleles (0.00019%); highest among the groups gnomAD compares: East Asian, 0.0067%; no homozygotes.

Submission:

Labcorp Genetics (formerly Invitae), Labcorp
Classification: Uncertain significance. Last evaluated: 2024-01-22. Review status: criteria provided, single submitter. Criteria: Invitae Variant Classification Sherloc (09022015). Collection method: clinical testing. Allele origin: germline.
Comment: This sequence change affects codon 35 of the AK7 mRNA. It is a 'silent' change, meaning that it does not change the encoded amino acid sequence of the AK7 protein. This variant also falls at the last nucleotide of exon 1, which is part of the consensus splice site for this exon. This variant is present in population databases (no rsID available, gnomAD 0.01%). This variant has not been reported in the literature in individuals affected with AK7-related conditions. Variants that disrupt the consensus splice site are a relatively common cause of aberrant splicing (PMID: 17576681, 9536098). Algorithms developed to predict the effect of sequence changes on RNA splicing suggest that this variant may disrupt the consensus splice site. In summary, the available evidence is currently insufficient to determine the role of this variant in disease. Therefore, it has been classified as a Variant of Uncertain Significance.

Literature cited by the submitters: PubMed 17576681; PubMed 9536098.

NM_152327.5(AK7):c.105G>A (p.Lys35=)

Gene: AK7 (adenylate kinase 7; plus strand). Cytogenetic location: 14q32.2.
Variant type: single nucleotide variant.
Coding change: c.105G>A on transcript NM_152327.5 (MANE Select); coding-DNA position 105, G replaced by A.
Protein change: p.Lys35=; no amino-acid change (lysine 35 retained).
Molecular consequence: synonymous variant.
Genome position (GRCh38, 1-based): chr14:96,392,259, G>A. VCF-style: chr14-96392259-G-A. GRCh37 (hg19) VCF-style: chr14-96858596-G-A.
Other names: c.105G>A, p.Lys35= (NM_001350891.2, NM_001350892.2, NM_001350888.2 and 1 more transcripts).
Identifiers: ClinVar variation 2966428 (VCV002966428.3), dbSNP rs760985683, ClinGen allele CA487714565.